The following is an entry in ClinVar:

ClinVar aggregate classification (germline): Pathogenic (1 of 4 stars; one submission).

Conditions:
Familial adenomatous polyposis 1 (FAP1). Also called: POLYPOSIS, ADENOMATOUS INTESTINAL; FAMILIAL ADENOMATOUS POLYPOSIS 1, ATTENUATED. Identifiers: MedGen C2713442, MONDO:0021056, OMIM 175100. Disease mechanism: loss of function.

Submission:

Labcorp Genetics (formerly Invitae), Labcorp
Classification: Pathogenic for Familial adenomatous polyposis 1. Last evaluated: 2019-06-24. Review status: criteria provided, single submitter. Criteria: Invitae Variant Classification Sherloc (09022015). Collection method: clinical testing. Allele origin: germline.
Comment: This sequence change creates a premature translational stop signal (p.Lys570Glufs*11) in the APC gene. It is expected to result in an absent or disrupted protein product. This variant is not present in population databases (ExAC no frequency). This variant has not been reported in the literature in individuals with APC-related conditions. Loss-of-function variants in APC are known to be pathogenic (PMID: 17963004, 20685668). For these reasons, this variant has been classified as Pathogenic.

Literature cited by the submitters: PubMed 17963004; PubMed 20685668.

NM_000038.6(APC):c.1707dup (p.Lys570fs)

Gene: APC (APC regulator of Wnt signaling pathway; plus strand). Cytogenetic location: 5q22.2.
Variant type: Duplication.
Coding change: c.1707dup on transcript NM_000038.6 (MANE Select); coding-DNA position 1707, one base duplicated (G; older notation c.1707dupG).
Protein change: p.Lys570fs; shifts the reading frame from lysine 570.
Molecular consequence: frameshift variant.
Genome position (GRCh38, 1-based): chr5:112,828,936, G duplicated. VCF-style (leftmost placement, unchanged base first): chr5-112828935-T-TG. GRCh37 (hg19) VCF-style: chr5-112164632-T-TG.
Other names: c.1707dup, p.Lys570fs (NM_001127510.3, NM_001354895.2); c.1653dup, p.Lys552fs (NM_001127511.3); c.1761dup, p.Lys588fs (NM_001354896.2); c.1737dup, p.Lys580fs (NM_001354897.2); c.1632dup, p.Lys545fs (NM_001354898.2); c.1623dup, p.Lys542fs (NM_001354899.2); c.1584dup, p.Lys529fs (NM_001354900.2); c.1530dup, p.Lys511fs (NM_001354901.2); and 5 more; short protein forms K479fs, K552fs, K545fs, K580fs, K410fs, K444fs, K511fs, K542fs.
Identifiers: ClinVar variation 943157 (VCV000943157.9), dbSNP rs1764022508, ClinGen allele CA1139658999.